The following is an entry in ClinVar:

ClinVar aggregate classification (germline): Uncertain significance (1 of 4 stars; one submission).

Submission:

Labcorp Genetics (formerly Invitae), Labcorp
Classification: Uncertain significance. Last evaluated: 2025-03-13. Review status: criteria provided, single submitter. Criteria: Invitae Variant Classification Sherloc (09022015). Collection method: clinical testing. Allele origin: germline.
Comment: This sequence change replaces lysine, which is basic and polar, with arginine, which is basic and polar, at codon 400 of the TRIM28 protein (p.Lys400Arg). This variant is present in population databases (no rsID available, gnomAD 0.0009%). This variant has not been reported in the literature in individuals affected with TRIM28-related conditions. Experimental studies and prediction algorithms are not available or were not evaluated, and the functional significance of this variant is currently unknown. In summary, the available evidence is currently insufficient to determine the role of this variant in disease. Therefore, it has been classified as a Variant of Uncertain Significance.

NM_005762.3(TRIM28):c.1199A>G (p.Lys400Arg)

Gene: TRIM28 (tripartite motif containing 28; plus strand). Cytogenetic location: 19q13.43.
Variant type: single nucleotide variant.
Coding change: c.1199A>G on transcript NM_005762.3 (MANE Select); coding-DNA position 1199, A replaced by G.
Protein change: p.Lys400Arg; replaces lysine 400 with arginine.
Molecular consequence: missense variant.
Genome position (GRCh38, 1-based): chr19:58,548,391, A>G. VCF-style: chr19-58548391-A-G. GRCh37 (hg19) VCF-style: chr19-59059758-A-G.
Other names: short protein forms K400R.
Identifiers: ClinVar variation 4805139 (VCV004805139.1).